The following is an entry in ClinVar:

NM_198578.4(LRRK2):c.4981C>A (p.Pro1661Thr)

Gene: LRRK2 (leucine rich repeat kinase 2; plus strand). Cytogenetic location: 12q12.
Variant type: single nucleotide variant.
Coding change: c.4981C>A on transcript NM_198578.4 (MANE Select); coding-DNA position 4981, C replaced by A.
Protein change: p.Pro1661Thr; replaces proline 1661 with threonine.
Molecular consequence: missense variant.
Genome position (GRCh38, 1-based): chr12:40,320,141, C>A. VCF-style: chr12-40320141-C-A. GRCh37 (hg19) VCF-style: chr12-40713943-C-A.
Other names: short protein forms P1661T.
Identifiers: ClinVar variation 4857852 (VCV004857852.1).
Genomic context (GRCh38, chr12:40,320,141, plus strand): 5'-TTTCCAAAGAACTACATGTCACAGTATTTTAAGCTCCTAGAAAAATTCCAGATTGCTTTG[C>A]CAATAGGAGAAGAATATTTGCTGGTTCCAAGCAGGTAAAGAAAACCTTAAAAAATTAATT-3'
Protein context (NP_940980.4, residues 1651-1671): KLLEKFQIAL[Pro1661Thr]IGEEYLLVPS

ClinVar aggregate classification (germline): Uncertain significance (0 of 4 stars; one submission).

Conditions:
ischemic cerebrovascular diesease.

gnomAD v4.1: 55 of 1,611,654 alleles (0.0034%); highest among the groups gnomAD compares: Non-Finnish European, 0.0046%; no homozygotes.

Submission:

Institute of Neurology, Charite University of Medicine
Classification: Uncertain significance for ischemic cerebrovascular diesease. Last evaluated: 2025-07-10. Review status: no assertion criteria provided. Collection method: provider interpretation. Allele origin: germline. Affected: yes. Observed: 1 variant allele.
Comment: Coding variants in LRRK2 have been reported in Parkinson's disease. The variant has been classsified as 'variant of uncertain significance' based on the ACMG classification.